The following is an entry in ClinVar:

NM_006516.4(SLC2A1):c.339del (p.Lys114fs)

Gene: SLC2A1 (solute carrier family 2 member 1; minus strand). Cytogenetic location: 1p34.2.
Variant type: Deletion.
Coding change: c.339del on transcript NM_006516.4 (MANE Select); coding-DNA position 339, one base deleted (G; older notation c.339delG).
Protein change: p.Lys114fs; shifts the reading frame from lysine 114.
Molecular consequence: frameshift variant.
Genome position (GRCh38, 1-based): chr1:42,930,803, C deleted on the plus strand (G on the coding strand, the reverse complement: SLC2A1 is on the minus strand). VCF-style (leftmost placement, unchanged base first): chr1-42930802-TC-T. GRCh37 (hg19) VCF-style: chr1-43396473-TC-T.
Other names: short protein forms K114fs.
Identifiers: ClinVar variation 975958 (VCV000975958.2), dbSNP rs1643480923, ClinGen allele CA1139656061.

ClinVar aggregate classification (germline): Likely pathogenic. Review status: criteria provided, single submitter (1 of 4 stars). 2 submissions from 1 submitter: Likely pathogenic (2). Last evaluated 2020-08-03.

Conditions:
Intellectual disability. Also called: intellectual disabilities; Intellectual developmental disorder; Intellectual functioning disability. Identifiers: MedGen C3714756, MeSH D008607, MONDO:0001071, HP:0001249.
Encephalopathy due to GLUT1 deficiency. Also called: GLUT1 deficiency syndrome 1; De Vivo disease; Glucose transporter protein syndrome; Classic Glucose Transporter Type 1 Deficiency Syndrome; GLUCOSE TRANSPORT DEFECT, BLOOD-BRAIN BARRIER; GLUT1 deficiency syndrome 1, infantile onset, severe. Identifiers: Orphanet 71277, MedGen C4551966, MONDO:0011724, OMIM 606777.

Submissions (2):

Institute of Human Genetics, University of Leipzig Medical Center
Classification: Likely pathogenic for Intellectual disability. Last evaluated: 2020-08-03. Review status: criteria provided, single submitter. Criteria: ACMG Guidelines, 2015. Collection method: clinical testing. Allele origin: unknown. Affected: yes.
Comment: Inheritance for this variant was unknown. The variant likely explains the NDD in this individual.

Institute of Human Genetics, University of Leipzig Medical Center
Classification: Likely pathogenic for Encephalopathy due to GLUT1 deficiency. Last evaluated: 2018-08-30. Review status: criteria provided, single submitter. Criteria: ACMG Guidelines, 2015. Collection method: clinical testing. Allele origin: germline. Affected: yes. Observed: 1 variant allele.